The following is an entry in ClinVar:

NM_000263.4(NAGLU):c.1072C>T (p.Pro358Ser)

Gene: NAGLU (N-acetyl-alpha-glucosaminidase; plus strand). Cytogenetic location: 17q21.2.
Variant type: single nucleotide variant.
Coding change: c.1072C>T on transcript NM_000263.4 (MANE Select); coding-DNA position 1072, C replaced by T.
Protein change: p.Pro358Ser; replaces proline 358 with serine.
Molecular consequence: missense variant.
Genome position (GRCh38, 1-based): chr17:42,543,078, C>T. VCF-style: chr17-42543078-C-T. GRCh37 (hg19) VCF-style: chr17-40695096-C-T.
Other names: short protein forms P358S.
Identifiers: ClinVar variation 1989258 (VCV001989258.4), dbSNP rs2510658718, ClinGen allele CA399601041.

ClinVar aggregate classification (germline): Uncertain significance (1 of 4 stars; one submission).

Conditions:
Mucopolysaccharidosis, MPS-III-B (MPS3B). Also called: N-ACETYL-ALPHA-D-GLUCOSAMINIDASE DEFICIENCY; NAGLU DEFICIENCY; SANFILIPPO SYNDROME B; MPS III B; Mucopolysaccharidosis type IIIB (Sanfilippo B); MPS IIIB (Sanfilippo Syndrome Type B). Identifiers: Orphanet 79270, MedGen C0086648, MONDO:0009656, OMIM 252920.
Charcot-Marie-Tooth disease axonal type 2V. Also called: CHARCOT-MARIE-TOOTH NEUROPATHY, TYPE 2V; CHARCOT-MARIE-TOOTH DISEASE, AXONAL, AUTOSOMAL DOMINANT, TYPE 2V. Identifiers: Orphanet 447964, MedGen C5569050, MONDO:0014665, OMIM 616491.

Allele frequency attached by ClinVar (database versions not stated): gnomAD exomes below 0.00001.
gnomAD v4.1: 2 of 1,610,006 alleles (0.00012%); highest among the groups gnomAD compares: African/African-American, 0.0013%; no homozygotes.

Submission:

Labcorp Genetics (formerly Invitae), Labcorp
Classification: Uncertain significance for Charcot-Marie-Tooth disease axonal type 2V; Mucopolysaccharidosis, MPS-III-B. Last evaluated: 2022-02-25. Review status: criteria provided, single submitter. Criteria: Invitae Variant Classification Sherloc (09022015). Collection method: clinical testing. Allele origin: germline.
Comment: In summary, the available evidence is currently insufficient to determine the role of this variant in disease. Therefore, it has been classified as a Variant of Uncertain Significance. Algorithms developed to predict the effect of missense changes on protein structure and function (SIFT, PolyPhen-2, Align-GVGD) all suggest that this variant is likely to be tolerated. This variant has not been reported in the literature in individuals affected with NAGLU-related conditions. This variant is not present in population databases (gnomAD no frequency). This sequence change replaces proline, which is neutral and non-polar, with serine, which is neutral and polar, at codon 358 of the NAGLU protein (p.Pro358Ser).